The following is an entry in ClinVar:

NM_001378454.1(ALMS1):c.1727C>G (p.Ser576Ter)

Gene: ALMS1 (ALMS1 centrosome and basal body associated protein; plus strand). Cytogenetic location: 2p13.1.
Variant type: single nucleotide variant.
Coding change: c.1727C>G on transcript NM_001378454.1 (MANE Select); coding-DNA position 1727, C replaced by G.
Protein change: p.Ser576Ter; replaces serine 576 with a stop codon.
Molecular consequence: nonsense.
Genome position (GRCh38, 1-based): chr2:73,448,254, C>G. VCF-style: chr2-73448254-C-G. GRCh37 (hg19) VCF-style: chr2-73675381-C-G.
Other names: c.1730C>G, p.Ser577Ter (NM_015120.4); short protein forms S577*, S576*.
Identifiers: ClinVar variation 801720 (VCV000801720.10), dbSNP rs756389027, ClinGen allele CA1713218.

ClinVar aggregate classification (germline): Pathogenic/Likely pathogenic. Review status: criteria provided, multiple submitters, no conflicts (2 of 4 stars). 5 submissions from 5 submitters: Pathogenic (4); Likely pathogenic (1). Last evaluated 2026-07-27.

Conditions:
ALMS1-related disorder. Also called: ALMS1-related condition.
Cardiovascular phenotype. Identifiers: MedGen CN230736.
Alstrom syndrome (ALMS). Identifiers: Orphanet 64, MedGen C0268425, MONDO:0008763, OMIM 203800.

Allele frequency attached by ClinVar (database versions not stated): ExAC 0.00001.
gnomAD v4.1: 4 of 1,613,994 alleles (0.00025%); highest among the groups gnomAD compares: Admixed American, 0.0017%; no homozygotes.

Submissions (5):

Ambry Genetics
Classification: Pathogenic for Cardiovascular phenotype. Last evaluated: 2026-07-27. Review status: criteria provided, single submitter. Criteria: Ambry Variant Classification Scheme 2023. Collection method: clinical testing. Allele origin: germline.
Comment: The c.1730C>G (p.S577*) alteration, located in exon 8 (coding exon 8) of the ALMS1 gene, consists of a C to G substitution at nucleotide position 1730. This changes the amino acid from a serine (S) to a stop codon at amino acid position 577. This variant is expected to result in loss of function by premature protein truncation or nonsense-mediated mRNA decay. Based on data from gnomAD, the G allele has an overall frequency of <0.001% (1/249040) total alleles studied. The highest observed frequency was 0.003% (1/34486) of Latino alleles. This variant has been identified in the homozygous state and/or in conjunction with other ALMS1 variant(s) in individual(s) with features consistent with Almstrom syndrome (Redin, 2012; Villafuerte-de la Cruz, 2024). Based on the available evidence, this alteration is classified as pathogenic.

Natera, Inc.
Classification: Pathogenic for Alstrom syndrome. Last evaluated: 2025-07-09. Review status: criteria provided, single submitter. Criteria: Natera Variant Classification Schema (03/2026). Collection method: clinical testing. Allele origin: germline.
Comment: The c.1730C>G variant in ALMS1 is a nonsense variant predicted to introduce a stop codon at amino acid 577. This variant is expected to result in nonsense mediated decay, truncation, or a dysfunctional protein product. This variant is rare in the general population with a frequency below the threshold expected for the associated phenotype(s). This variant has been observed in one or more individuals affected with the associated recessive disease, as either homozygous or compound heterozygous with a second variant (PMID: 22773737). Given the available evidence, this variant is classified as Pathogenic.

Labcorp Genetics (formerly Invitae), Labcorp
Classification: Pathogenic for Alstrom syndrome. Last evaluated: 2022-07-19. Review status: criteria provided, single submitter. Criteria: Invitae Variant Classification Sherloc (09022015). Collection method: clinical testing. Allele origin: germline.
Comment: For these reasons, this variant has been classified as Pathogenic. ClinVar contains an entry for this variant (Variation ID: 801720). This premature translational stop signal has been observed in individual(s) with Alstrom syndrome (PMID: 22773737). This variant is present in population databases (rs756389027, gnomAD 0.003%). This sequence change creates a premature translational stop signal (p.Ser577*) in the ALMS1 gene. It is expected to result in an absent or disrupted protein product. Loss-of-function variants in ALMS1 are known to be pathogenic (PMID: 17594715).

Blueprint Genetics
Classification: Likely pathogenic for ALMS1-related disorders. Last evaluated: 2021-09-13. Review status: criteria provided, single submitter. Criteria: ACMG Guidelines, 2015. Collection method: clinical testing. Allele origin: germline. Affected: yes. Observed: 1 variant allele.

Mendelics
Classification: Pathogenic for Alstrom syndrome. Last evaluated: 2019-05-28. Review status: criteria provided, single submitter. Criteria: Mendelics Assertion Criteria 2017. Collection method: clinical testing. Allele origin: unknown.

Literature cited by the submitters: PubMed 22773737 (cited by 3 submitters); PubMed 38347443 (cited by Ambry Genetics); PubMed 17594715 (cited by Labcorp Genetics (formerly Invitae), Labcorp).